The following is an entry in ClinVar:

ClinVar aggregate classification (germline): Benign/Likely benign. Review status: criteria provided, multiple submitters, no conflicts (2 of 4 stars). 3 submissions from 3 submitters: Benign (1); Likely benign (2). Last evaluated 2026-07-01.

Conditions:
MHC class I deficiency. Identifiers: Orphanet 34592, MedGen C6024714, MONDO:0011476.

Allele frequency attached by ClinVar (database versions not stated): 1000 Genomes Project 0.00020; 1000 Genomes Project 30x 0.00031; ESP Exome Variant Server 0.00038; gnomAD 0.00050 and 0.00052; TOPMed 0.00061; gnomAD exomes 0.00062 and 0.00067; ExAC 0.00083.
gnomAD v4.1: 1,077 of 1,604,242 alleles (0.067%); highest among the groups gnomAD compares: Admixed American, 0.18%; 1 homozygote.

Submissions (3):

CeGaT Center for Human Genetics Tuebingen
Classification: Likely benign. Last evaluated: 2026-07-01. Review status: criteria provided, single submitter. Criteria: CeGaT Center For Human Genetics Tuebingen Variant Classification Criteria Version 2. Collection method: clinical testing. Allele origin: germline. Affected: yes. Observed: 1 variant allele.
Comment: TAP2: BP4, BP7

Labcorp Genetics (formerly Invitae), Labcorp
Classification: Benign for MHC class I deficiency 1. Last evaluated: 2025-12-23. Review status: criteria provided, single submitter. Criteria: Invitae Variant Classification Sherloc (09022015). Collection method: clinical testing. Allele origin: germline.

Blueprint Genetics
Classification: Likely benign. Last evaluated: 2024-11-11. Review status: criteria provided, single submitter. Criteria: ACMG Guidelines, 2015. Collection method: clinical testing. Allele origin: germline.

NM_001290043.2(TAP2):c.1920G>A (p.Gln640=)

Gene: TAP2 (transporter 2, ATP binding cassette subfamily B member; minus strand). Cytogenetic location: 6p21.32.
Variant type: single nucleotide variant.
Coding change: c.1920G>A on transcript NM_001290043.2 (MANE Select); coding-DNA position 1920, G replaced by A.
Protein change: p.Gln640=; no amino-acid change (glutamine 640 retained).
Molecular consequence: synonymous variant.
Genome position (GRCh38, 1-based): chr6:32,829,412, C>T on the plus strand (G>A on the coding strand, the complement: TAP2 is on the minus strand). VCF-style: chr6-32829412-C-T. GRCh37 (hg19) VCF-style: chr6-32797189-C-T.
Other names: c.1920G>A, p.Gln640= (NM_000544.3, NM_018833.3).
Identifiers: ClinVar variation 534715 (VCV000534715.14), dbSNP rs145894663, ClinGen allele CA3745768.
Genomic context (GRCh38, chr6:32,829,412, plus strand): 5'-CATGCCCCTCCCAGGCCCCACTGTCCCCTGCCCTCTCACGGTACTCACGGCCTGCTCGCA[C>T]TGCACATCTAGGGCACTAGTAGCCTCATCCAGGATGAGGACCCGCGGGTCTCGTACAAGG-3'
Protein context (NP_001276972.1, residues 630-650): LDEATSALDV[Gln640=]CEQALQDWNS